The following is an entry in ClinVar:

NM_000219.6(KCNE1):c.254A>C (p.Asp85Ala)

Gene: KCNE1 (potassium voltage-gated channel subfamily E regulatory subunit 1; minus strand). Cytogenetic location: 21q22.12.
Variant type: single nucleotide variant.
Coding change: c.254A>C on transcript NM_000219.6 (MANE Select); coding-DNA position 254, A replaced by C.
Protein change: p.Asp85Ala; replaces aspartic acid 85 with alanine.
Molecular consequence: missense variant.
Genome position (GRCh38, 1-based): chr21:34,449,381, T>G on the plus strand (A>C on the coding strand, the complement: KCNE1 is on the minus strand). VCF-style: chr21-34449381-T-G. GRCh37 (hg19) VCF-style: chr21-35821679-T-G.
Other names: c.254A>C, p.Asp85Ala (NM_001127668.4, NM_001127669.4, NM_001127670.4 and 4 more transcripts); short protein forms D85A.
Identifiers: ClinVar variation 3374448 (VCV003374448.2).

Conditions:
Long QT syndrome 5 (LQT5). Identifiers: Orphanet 101016, Orphanet 768, MedGen C1867904, MONDO:0013372, OMIM 613695.

Submission:

Roden Lab, Vanderbilt University Medical Center
No classification provided (evidence only). Condition: Long QT syndrome 5. Review status: no classification provided. Collection method: in vitro. Allele origin: not applicable. Functional consequence: Effect on ion channel function.
ClinVar note: "not provided" was previously submitted as the classification for the variant. However, the classification appeared to be based only on an observation of functional data so it was converted to no classification on 2025-07-30.